The following is an entry in ClinVar:

NM_004963.4(GUCY2C):c.2536G>A (p.Val846Met)

Gene: GUCY2C (guanylate cyclase 2C; minus strand). Cytogenetic location: 12p12.3.
Variant type: single nucleotide variant.
Coding change: c.2536G>A on transcript NM_004963.4 (MANE Select); coding-DNA position 2536, G replaced by A.
Protein change: p.Val846Met; replaces valine 846 with methionine.
Molecular consequence: missense variant.
Genome position (GRCh38, 1-based): chr12:14,622,070, C>T on the plus strand (G>A on the coding strand, the complement: GUCY2C is on the minus strand). VCF-style: chr12-14622070-C-T. GRCh37 (hg19) VCF-style: chr12-14775004-C-T.
Other names: short protein forms V846M.
Identifiers: ClinVar variation 3764195 (VCV003764195.1).
Genomic context (GRCh38, chr12:14,622,070, plus strand): 5'-AGACATCATGATGATCAACAATGTGGTCAAAACTCTTATAGATGTCATTAAGCATGTCCA[C>T]CACTTCCATGGGGGTGCTGTATTTGCAGATAGTAGTGAAACCTACAATGTCACTGAAGTA-3'
Protein context (NP_004954.2, residues 836-856): ICKYSTPMEV[Val846Met]DMLNDIYKSF

ClinVar aggregate classification (germline): Pathogenic (1 of 4 stars; one submission).

Submission:

GeneDx
Classification: Pathogenic. Last evaluated: 2024-08-21. Review status: criteria provided, single submitter. Criteria: GeneDx Variant Classification Process June 2021. Collection method: clinical testing. Allele origin: germline. Affected: yes.
Comment: Not observed at significant frequency in large population cohorts (gnomAD); In silico analysis supports that this missense variant has a deleterious effect on protein structure/function; This variant is associated with the following publications: (PMID: 33879512, 36598634, Willcutts2023[abstract])